The following is an entry in ClinVar:

NM_001375834.1(WIPF1):c.679G>A (p.Gly227Ser)

Gene: WIPF1 (WAS/WASL interacting protein family member 1; minus strand). Cytogenetic location: 2q31.1.
Variant type: single nucleotide variant.
Coding change: c.679G>A on transcript NM_001375834.1 (MANE Select); coding-DNA position 679, G replaced by A.
Protein change: p.Gly227Ser; replaces glycine 227 with serine.
Molecular consequence: missense variant.
Genome position (GRCh38, 1-based): chr2:174,572,126, C>T on the plus strand (G>A on the coding strand, the complement: WIPF1 is on the minus strand). VCF-style: chr2-174572126-C-T. GRCh37 (hg19) VCF-style: chr2-175436854-C-T.
Other names: c.679G>A, p.Gly227Ser (NM_001077269.1, NM_001375832.1, NM_001375833.1 and 5 more transcripts); c.301G>A, p.Gly101Ser (NM_001375839.1); short protein forms G101S, G227S.
Identifiers: ClinVar variation 1954757 (VCV001954757.5), dbSNP rs778029521, ClinGen allele CA1974074.

ClinVar aggregate classification (germline): Uncertain significance (1 of 4 stars; one submission).

Conditions:
Wiskott-Aldrich syndrome 2 (WAS2). Also called: WIPF1 DEFICIENCY. Identifiers: Orphanet 906, MedGen C3281001, MONDO:0013779, OMIM 614493.

Allele frequency attached by ClinVar (database versions not stated): ExAC 0.00002.

Submission:

Labcorp Genetics (formerly Invitae), Labcorp
Classification: Uncertain significance for Wiskott-Aldrich syndrome 2. Last evaluated: 2023-02-18. Review status: criteria provided, single submitter. Criteria: Invitae Variant Classification Sherloc (09022015). Collection method: clinical testing. Allele origin: germline.
Comment: In summary, the available evidence is currently insufficient to determine the role of this variant in disease. Therefore, it has been classified as a Variant of Uncertain Significance. Algorithms developed to predict the effect of missense changes on protein structure and function output the following: SIFT: "Not Available"; PolyPhen-2: "Benign"; Align-GVGD: "Not Available". The serine amino acid residue is found in multiple mammalian species, which suggests that this missense change does not adversely affect protein function. This variant has not been reported in the literature in individuals affected with WIPF1-related conditions. This variant is present in population databases (rs778029521, gnomAD 0.02%). This sequence change replaces glycine, which is neutral and non-polar, with serine, which is neutral and polar, at codon 227 of the WIPF1 protein (p.Gly227Ser).